The following is an entry in ClinVar:

NM_000274.4(OAT):c.427G>T (p.Val143Leu)

Gene: OAT (ornithine aminotransferase; minus strand). Cytogenetic location: 10q26.13.
Variant type: single nucleotide variant.
Coding change: c.427G>T on transcript NM_000274.4 (MANE Select); coding-DNA position 427, G replaced by T.
Protein change: p.Val143Leu; replaces valine 143 with leucine.
Molecular consequence: missense variant. On other transcripts: 5 prime UTR variant (1), intron variant (1).
Genome position (GRCh38, 1-based): chr10:124,408,635, C>A on the plus strand (G>T on the coding strand, the complement: OAT is on the minus strand). VCF-style: chr10-124408635-C-A. GRCh37 (hg19) VCF-style: chr10-126097204-C-A.
Other names: c.13G>T, p.Val5Leu (NM_001171814.2); c.427G>T, p.Val143Leu (NM_001322965.2, NM_001322966.2, NM_001322967.2 and 3 more transcripts); c.-288G>T (NM_001322974.2); c.200-3072G>T (NM_001322971.2); short protein forms V143L, V5L.
Identifiers: ClinVar variation 1443284 (VCV001443284.6), dbSNP rs2134477473, ClinGen allele CA378637080.
Genomic context (GRCh38, chr10:124,408,635, plus strand): 5'-TGCCCTTCACGGTATAGCCCCACTTACGAGCTAGTTTACAGGCAGTCTCTCCAGCCTCCA[C>A]TCCTATCAGGAGAGAAAAATGTTCAGATTTTTTTAAAATGTTAAACTATCAAAAAATAAA-3'
Protein context (NP_000265.1, residues 133-153): YHKVLPMNTG[Val143Leu]EAGETACKLA

ClinVar aggregate classification (germline): Uncertain significance (1 of 4 stars; one submission).

Conditions:
Ornithine aminotransferase deficiency (GACR). Also called: OKT DEFICIENCY; HYPERORNITHINEMIA WITH GYRATE ATROPHY OF CHOROID AND RETINA; OAT DEFICIENCY; Ornithine ketoacid aminotransferase deficiency; Gyrate atrophy; Gyrate atrophy of choroid and retina. Identifiers: Orphanet 414, MedGen C0018425, MONDO:0009796, OMIM 258870.

Submission:

Labcorp Genetics (formerly Invitae), Labcorp
Classification: Uncertain significance for Ornithine aminotransferase deficiency. Last evaluated: 2023-06-13. Review status: criteria provided, single submitter. Criteria: Invitae Variant Classification Sherloc (09022015). Collection method: clinical testing. Allele origin: germline.
Comment: In summary, the available evidence is currently insufficient to determine the role of this variant in disease. Therefore, it has been classified as a Variant of Uncertain Significance. An algorithm developed to predict the effect of missense changes on protein structure and function (PolyPhen-2) suggests that this variant is likely to be tolerated. ClinVar contains an entry for this variant (Variation ID: 1443284). This variant has not been reported in the literature in individuals affected with OAT-related conditions. This variant is not present in population databases (gnomAD no frequency). This sequence change replaces valine, which is neutral and non-polar, with leucine, which is neutral and non-polar, at codon 143 of the OAT protein (p.Val143Leu).